The following is an entry in ClinVar:

NM_004304.5(ALK):c.3329A>C (p.Glu1110Ala)

Gene: ALK (ALK receptor tyrosine kinase; minus strand). Cytogenetic location: 2p23.2.
Variant type: single nucleotide variant.
Coding change: c.3329A>C on transcript NM_004304.5 (MANE Select); coding-DNA position 3329, A replaced by C.
Protein change: p.Glu1110Ala; replaces glutamic acid 1110 with alanine.
Molecular consequence: missense variant.
Genome position (GRCh38, 1-based): chr2:29,223,372, T>G on the plus strand (A>C on the coding strand, the complement: ALK is on the minus strand). VCF-style: chr2-29223372-T-G. GRCh37 (hg19) VCF-style: chr2-29446238-T-G.
Other names: c.125A>C, p.Glu42Ala (NM_001353765.2); short protein forms E1110A, E42A.
Identifiers: ClinVar variation 1730274 (VCV001730274.2), dbSNP rs2465955168, ClinGen allele CA346464698.

ClinVar aggregate classification (germline): Uncertain significance (1 of 4 stars; one submission).

Conditions:
Hereditary cancer-predisposing syndrome. Also called: Neoplastic Syndromes, Hereditary; Tumor predisposition; Hereditary Cancer Syndrome; Hereditary neoplastic syndrome. Identifiers: Orphanet 140162, MedGen C0027672, MeSH D009386, MONDO:0015356.

Submission:

Ambry Genetics
Classification: Uncertain significance for Hereditary cancer-predisposing syndrome. Last evaluated: 2020-11-19. Review status: criteria provided, single submitter. Criteria: Ambry Variant Classification Scheme 2023. Collection method: clinical testing. Allele origin: germline.
Comment: The p.E1110A variant (also known as c.3329A>C), located in coding exon 20 of the ALK gene, results from an A to C substitution at nucleotide position 3329. The glutamic acid at codon 1110 is replaced by alanine, an amino acid with dissimilar properties. This amino acid position is highly conserved in available vertebrate species. In addition, this alteration is predicted to be deleterious by in silico analysis. Since supporting evidence is limited at this time, the clinical significance of this alteration remains unclear.